The following is an entry in ClinVar:

ClinVar aggregate classification (germline): Uncertain significance. Review status: criteria provided, multiple submitters, no conflicts (2 of 4 stars). 2 submissions from 2 submitters: Uncertain significance (2). Last evaluated 2024-03-25.

Conditions:
Inborn genetic diseases. Identifiers: MedGen C0950123, MeSH D030342.

Allele frequency attached by ClinVar (database versions not stated): ExAC 0.00001; gnomAD exomes 0.00001; TOPMed 0.00002; gnomAD 0.00003 and 0.00004.
gnomAD v4.1: 13 of 1,613,198 alleles (0.00081%); highest among the groups gnomAD compares: African/African-American, 0.012%; no homozygotes.

Submissions (2):

Ambry Genetics
Classification: Uncertain significance for Inborn genetic diseases. Last evaluated: 2024-03-25. Review status: criteria provided, single submitter. Criteria: Ambry Variant Classification Scheme 2023. Collection method: clinical testing. Allele origin: germline.

Labcorp Genetics (formerly Invitae), Labcorp
Classification: Uncertain significance. Last evaluated: 2022-07-19. Review status: criteria provided, single submitter. Criteria: Invitae Variant Classification Sherloc (09022015). Collection method: clinical testing. Allele origin: germline.
Comment: This sequence change replaces threonine, which is neutral and polar, with alanine, which is neutral and non-polar, at codon 3100 of the PCLO protein (p.Thr3100Ala). This variant is present in population databases (rs775181689, gnomAD 0.02%). This variant has not been reported in the literature in individuals affected with PCLO-related conditions. ClinVar contains an entry for this variant (Variation ID: 1385654). Algorithms developed to predict the effect of missense changes on protein structure and function are either unavailable or do not agree on the potential impact of this missense change (SIFT: "Deleterious"; PolyPhen-2: "Not Available"; Align-GVGD: "Class C0"). In summary, the available evidence is currently insufficient to determine the role of this variant in disease. Therefore, it has been classified as a Variant of Uncertain Significance.

NM_033026.6(PCLO):c.9298A>G (p.Thr3100Ala)

Gene: PCLO (piccolo presynaptic cytomatrix protein; minus strand). Cytogenetic location: 7q21.11.
Variant type: single nucleotide variant.
Coding change: c.9298A>G on transcript NM_033026.6 (MANE Select); coding-DNA position 9298, A replaced by G.
Protein change: p.Thr3100Ala; replaces threonine 3100 with alanine.
Molecular consequence: missense variant.
Genome position (GRCh38, 1-based): chr7:82,951,290, T>C on the plus strand (A>G on the coding strand, the complement: PCLO is on the minus strand). VCF-style: chr7-82951290-T-C. GRCh37 (hg19) VCF-style: chr7-82580606-T-C.
Other names: c.9298A>G, p.Thr3100Ala (NM_014510.3); c.9298A>G (NM_033026.5); short protein forms T3100A.
Identifiers: ClinVar variation 1385654 (VCV001385654.6), dbSNP rs775181689, ClinGen allele CA4319952.